The following is an entry in ClinVar:

ClinVar aggregate classification (germline): Uncertain significance (1 of 4 stars; one submission).

Submission:

GeneDx
Classification: Uncertain significance. Last evaluated: 2025-04-15. Review status: criteria provided, single submitter. Criteria: GeneDx Variant Classification Process June 2021. Collection method: clinical testing. Allele origin: germline. Affected: yes.
Comment: Not observed at significant frequency in large population cohorts (gnomAD); In silico analysis indicates that this missense variant does not alter protein structure/function; Has not been previously published as pathogenic or benign to our knowledge

NM_004369.4(COL6A3):c.5618A>G (p.His1873Arg)

Gene: COL6A3 (collagen type VI alpha 3 chain; minus strand). Cytogenetic location: 2q37.3.
Variant type: single nucleotide variant.
Coding change: c.5618A>G on transcript NM_004369.4 (MANE Select); coding-DNA position 5618, A replaced by G.
Protein change: p.His1873Arg; replaces histidine 1873 with arginine.
Molecular consequence: missense variant.
Genome position (GRCh38, 1-based): chr2:237,365,918, T>C on the plus strand (A>G on the coding strand, the complement: COL6A3 is on the minus strand). VCF-style: chr2-237365918-T-C. GRCh37 (hg19) VCF-style: chr2-238274561-T-C.
Other names: c.3797A>G, p.His1266Arg (NM_057166.5); c.5000A>G, p.His1667Arg (NM_057167.4); short protein forms H1266R, H1667R, H1873R.
Identifiers: ClinVar variation 4282067 (VCV004282067.1).